The following is an entry in ClinVar:

ClinVar aggregate classification (germline): Uncertain significance (1 of 4 stars; one submission).

Allele frequency attached by ClinVar (database versions not stated): TOPMed 0.00002; gnomAD exomes 0.00003; ExAC 0.00004; gnomAD 0.00004.
gnomAD v4.1: 54 of 1,613,990 alleles (0.0033%); highest among the groups gnomAD compares: Non-Finnish European, 0.0043%; no homozygotes.

Submission:

CeGaT Center for Human Genetics Tuebingen
Classification: Uncertain significance. Last evaluated: 2024-06-01. Review status: criteria provided, single submitter. Criteria: CeGaT Center For Human Genetics Tuebingen Variant Classification Criteria Version 2. Collection method: clinical testing. Allele origin: germline. Affected: yes. Observed: 1 variant allele.
Comment: FLG: PM2, BP4

NM_002016.2(FLG):c.3185G>A (p.Gly1062Glu)

Genes: CCDST (cervical cancer associated DHX9 suppressive transcript; plus strand), FLG (filaggrin; minus strand). Cytogenetic location: 1q21.3.
Variant type: single nucleotide variant.
Coding change: c.3185G>A on transcript NM_002016.2 (MANE Select); coding-DNA position 3185, G replaced by A.
Protein change: p.Gly1062Glu; replaces glycine 1062 with glutamic acid.
Molecular consequence: missense variant.
Genome position (GRCh38, 1-based): chr1:152,311,701, C>T on the plus strand (G>A on the coding strand, the complement: FLG is on the minus strand). VCF-style: chr1-152311701-C-T. GRCh37 (hg19) VCF-style: chr1-152284177-C-T.
Other names: short protein forms G1062E.
Identifiers: ClinVar variation 3250779 (VCV003250779.18), dbSNP rs745419566.